The following is an entry in ClinVar:

ClinVar aggregate classification (germline): Uncertain significance. Review status: criteria provided, multiple submitters, no conflicts (2 of 4 stars). 2 submissions from 2 submitters: Uncertain significance (2). Last evaluated 2025-04-12.

Conditions:
Inborn genetic diseases. Identifiers: MedGen C0950123, MeSH D030342.

Allele frequency attached by ClinVar (database versions not stated): gnomAD 0.00001; TOPMed 0.00001; ExAC 0.00002; gnomAD exomes 0.00010.
gnomAD v4.1: 152 of 1,613,948 alleles (0.0094%); highest among the groups gnomAD compares: Middle Eastern, 0.016%; no homozygotes.

Submissions (2):

Ambry Genetics
Classification: Uncertain significance for Inborn genetic diseases. Last evaluated: 2025-04-12. Review status: criteria provided, single submitter. Criteria: Ambry Variant Classification Scheme 2023. Collection method: clinical testing. Allele origin: germline.

Labcorp Genetics (formerly Invitae), Labcorp
Classification: Uncertain significance. Last evaluated: 2022-09-26. Review status: criteria provided, single submitter. Criteria: Invitae Variant Classification Sherloc (09022015). Collection method: clinical testing. Allele origin: germline.
Comment: This variant has not been reported in the literature in individuals affected with NRIP1-related conditions. Algorithms developed to predict the effect of missense changes on protein structure and function are either unavailable or do not agree on the potential impact of this missense change (SIFT: "Deleterious"; PolyPhen-2: "Probably Damaging"; Align-GVGD: "Class C15"). In summary, the available evidence is currently insufficient to determine the role of this variant in disease. Therefore, it has been classified as a Variant of Uncertain Significance. This variant is present in population databases (rs749079684, gnomAD 0.007%). This sequence change replaces arginine, which is basic and polar, with tryptophan, which is neutral and slightly polar, at codon 98 of the NRIP1 protein (p.Arg98Trp).

NM_003489.4(NRIP1):c.292C>T (p.Arg98Trp)

Gene: NRIP1 (nuclear receptor interacting protein 1; minus strand). Cytogenetic location: 21q11.2.
Variant type: single nucleotide variant.
Coding change: c.292C>T on transcript NM_003489.4 (MANE Select); coding-DNA position 292, C replaced by T.
Protein change: p.Arg98Trp; replaces arginine 98 with tryptophan.
Molecular consequence: missense variant.
Genome position (GRCh38, 1-based): chr21:14,967,901, G>A on the plus strand (C>T on the coding strand, the complement: NRIP1 is on the minus strand). VCF-style: chr21-14967901-G-A. GRCh37 (hg19) VCF-style: chr21-16340222-G-A.
Other names: c.292C>T (NM_003489.3); short protein forms R98W.
Identifiers: ClinVar variation 1982634 (VCV001982634.5), dbSNP rs749079684, ClinGen allele CA9981518.